The following is an entry in ClinVar:

ClinVar aggregate classification (germline): Pathogenic. Review status: criteria provided, multiple submitters, no conflicts (2 of 4 stars). 2 submissions from 2 submitters: Pathogenic (2). Last evaluated 2022-12-16.

Conditions:
Duchenne muscular dystrophy (DMD). Also called: MUSCULAR DYSTROPHY, PSEUDOHYPERTROPHIC PROGRESSIVE, DUCHENNE TYPE; Duchenne Muscular Dystrophy (DMD). Identifiers: Orphanet 98896, MedGen C0013264, MONDO:0010679, OMIM 310200.

Submissions (2):

Laboratory of Medical Genetics, National & Kapodistrian University of Athens
Classification: Pathogenic for Duchenne muscular dystrophy. Last evaluated: 2022-12-16. Review status: criteria provided, single submitter. Criteria: ACMG Guidelines, 2015. Collection method: clinical testing. Allele origin: germline. Affected: yes.
Comment: PVS1, PM2, PP5

Athena Diagnostics
Classification: Pathogenic for Duchenne muscular dystrophy. Last evaluated: 2013-09-26. Review status: criteria provided, single submitter. Criteria: Athena Diagnostics Criteria. Collection method: clinical testing. Allele origin: germline. Inheritance: X-linked recessive inheritance.
Comment: X-linked recessive inheritance

Literature cited by the submitters: PubMed 11524473 (cited by Laboratory of Medical Genetics, National & Kapodistrian University of Athens and Athena Diagnostics); PubMed 28859693 (cited by Laboratory of Medical Genetics, National & Kapodistrian University of Athens).

NM_004006.3(DMD):c.5641C>T (p.Gln1881Ter)

Gene: DMD (dystrophin; minus strand). Cytogenetic location: Xp21.1.
Variant type: single nucleotide variant.
Coding change: c.5641C>T on transcript NM_004006.3 (MANE Select); coding-DNA position 5641, C replaced by T.
Protein change: p.Gln1881Ter; replaces glutamine 1881 with a stop codon.
Molecular consequence: nonsense.
Genome position (GRCh38, 1-based): chrX:32,343,232, G>A on the plus strand (C>T on the coding strand, the complement: DMD is on the minus strand). VCF-style: chrX-32343232-G-A. GRCh37 (hg19) VCF-style: chrX-32361349-G-A.
Other names: c.5617C>T, p.Gln1873Ter (NM_000109.4); c.5629C>T, p.Gln1877Ter (NM_004009.3); c.5272C>T, p.Gln1758Ter (NM_004010.3); c.1618C>T, p.Gln540Ter (NM_004011.4); c.1609C>T, p.Gln537Ter (NM_004012.4); short protein forms Q1881*, Q1758*, Q1877*, Q1873*, Q537*, Q540*.
Identifiers: ClinVar variation 217205 (VCV000217205.3), dbSNP rs863225004, ClinGen allele CA347542.